The following is an entry in ClinVar:

ClinVar aggregate classification (germline): Uncertain significance (1 of 4 stars; one submission).

Conditions:
Inborn genetic diseases. Identifiers: MedGen C0950123, MeSH D030342.

Submission:

Ambry Genetics
Classification: Uncertain significance for Inborn genetic diseases. Last evaluated: 2025-05-18. Review status: criteria provided, single submitter. Criteria: Ambry Variant Classification Scheme 2023. Collection method: clinical testing. Allele origin: germline.
Comment: The p.I506L variant (also known as c.1516A>C), located in coding exon 8 of the MECOM gene, results from an A to C substitution at nucleotide position 1516. The isoleucine at codon 506 is replaced by leucine, an amino acid with highly similar properties. This amino acid position is conserved. In addition, this alteration is predicted to be tolerated by in silico analysis. Based on the available evidence, the clinical significance of this variant remains unclear.

NM_004991.4(MECOM):c.1516A>C (p.Ile506Leu)

Gene: MECOM (MDS1 and EVI1 complex locus; minus strand). Cytogenetic location: 3q26.2.
Variant type: single nucleotide variant.
Coding change: c.1516A>C on transcript NM_004991.4 (MANE Select); coding-DNA position 1516, A replaced by C.
Protein change: p.Ile506Leu; replaces isoleucine 506 with leucine.
Molecular consequence: missense variant. On other transcripts: intron variant (2).
Genome position (GRCh38, 1-based): chr3:169,116,356, T>G on the plus strand (A>C on the coding strand, the complement: MECOM is on the minus strand). VCF-style: chr3-169116356-T-G. GRCh37 (hg19) VCF-style: chr3-168834144-T-G.
Other names: c.1147A>C, p.Ile383Leu (NM_001105077.4); c.952A>C, p.Ile318Leu (NM_001105078.4, NM_001164000.2, NM_001205194.2 and 4 more transcripts); c.955A>C, p.Ile319Leu (NM_001163999.2, NM_001366467.2, NM_001366468.2 and 1 more transcripts); c.1516A>C, p.Ile506Leu (NM_001366466.2); c.1133-589A>C (NM_001366473.2); c.569-589A>C (NM_001366474.2); short protein forms I318L, I319L, I383L, I506L.
Identifiers: ClinVar variation 4053265 (VCV004053265.1).